The following is an entry in ClinVar:

ClinVar aggregate classification (germline): Uncertain significance (1 of 4 stars; one submission).

Submission:

GeneDx
Classification: Uncertain significance. Last evaluated: 2017-10-03. Review status: criteria provided, single submitter. Criteria: GeneDx Variant Classification (06012015). Collection method: clinical testing. Allele origin: germline. Affected: yes.
Comment: The c.2895_2902delGACCTCCAins12 variant in the NLRP3 gene has not been reported previously as a pathogenic variant nor as a benign variant, to our knowledge. The c.2895_2902delGACCTCCAins12 variant causes a frameshift starting with codon Threonine 966, changes this amino acid to a Serine residue, and creates a premature Stop codon at position 16 of the new reading frame, denoted p.Thr966SerfsX16. This variant is predicted to cause loss of normal protein function either through protein truncation or nonsense-mediated mRNA decay. The c.2895_2902delGACCTCCAins12 variant is not observed in large population cohorts (Lek et al., 2016). We interpret c.2895_2902delGACCTCCAins12 as a variant of uncertain significance.

NM_001243133.2(NLRP3):c.2889_2896delinsTTCCACACTTTC (p.Thr964fs)

Gene: NLRP3 (NLR family pyrin domain containing 3; plus strand). Cytogenetic location: 1q44.
Variant type: Indel.
Coding change: c.2889_2896delinsTTCCACACTTTC on transcript NM_001243133.2 (MANE Select); coding-DNA positions 2889 to 2896, GACCTCCA replaced by TTCCACACTTTC.
Protein change: p.Thr964fs; shifts the reading frame from threonine 964.
Molecular consequence: frameshift variant.
Genome position (GRCh38, 1-based): chr1:247,444,705-247,444,712, GACCTCCA replaced by TTCCACACTTTC. VCF-style: chr1-247444705-GACCTCCA-TTCCACACTTTC. GRCh37 (hg19) VCF-style: chr1-247608007-GACCTCCA-TTCCACACTTTC.
Other names: c.2889_2896delinsTTCCACACTTTC, p.Thr964fs (NM_001079821.3); c.2718_2725delinsTTCCACACTTTC, p.Thr907fs (NM_001127461.3, NM_001127462.3); c.2895_2902delinsTTCCACACTTTC, p.Thr966fs (NM_004895.5); c.2547_2554delinsTTCCACACTTTC, p.Thr850fs (NM_183395.3); c.2895_2902delGACCTCCAinsTTCCACACTTTC (NM_004895.4); short protein forms T964fs, T966fs, T850fs, T907fs.
Identifiers: ClinVar variation 452546 (VCV000452546.2), dbSNP rs1553293315, ClinGen allele CA658657007.